The following continues an entry in ClinVar:

NM_001267550.2(TTN):c.91573A>G (p.Ile30525Val)

ClinVar aggregate classification (germline): Benign/Likely benign. Benign (20); Likely benign (6).

Submissions 49 to 61 of 61:

Dr. Peter K. Rogan Lab, Western University
No classification provided (evidence only). Condition: Acute myeloid leukemia. Review status: no classification provided. Collection method: in vitro. Allele origin: not applicable. Functional consequence: retained intron. Not counted in ClinVar's aggregate classification.

Dr. Peter K. Rogan Lab, Western University
No classification provided (evidence only). Condition: Thymoma. Review status: no classification provided. Collection method: in vitro. Allele origin: not applicable. Functional consequence: retained intron. Not counted in ClinVar's aggregate classification.

Dr. Peter K. Rogan Lab, Western University
No classification provided (evidence only). Condition: Ovarian serous cystadenocarcinoma. Review status: no classification provided. Collection method: in vitro. Allele origin: not applicable. Functional consequence: retained intron. Not counted in ClinVar's aggregate classification.

Dr. Peter K. Rogan Lab, Western University
No classification provided (evidence only). Condition: Ovarian serous cystadenocarcinoma. Review status: no classification provided. Collection method: in vitro. Allele origin: not applicable. Functional consequence: retained intron. Not counted in ClinVar's aggregate classification.

Dr. Peter K. Rogan Lab, Western University
No classification provided (evidence only). Condition: Ovarian serous cystadenocarcinoma. Review status: no classification provided. Collection method: in vitro. Allele origin: not applicable. Functional consequence: retained intron. Not counted in ClinVar's aggregate classification.

Dr. Peter K. Rogan Lab, Western University
No classification provided (evidence only). Condition: Gastric cancer. Review status: no classification provided. Collection method: in vitro. Allele origin: not applicable. Functional consequence: retained intron. Not counted in ClinVar's aggregate classification.

Dr. Peter K. Rogan Lab, Western University
No classification provided (evidence only). Condition: Uterine carcinosarcoma. Review status: no classification provided. Collection method: in vitro. Allele origin: not applicable. Functional consequence: retained intron. Not counted in ClinVar's aggregate classification.

Dr. Peter K. Rogan Lab, Western University
No classification provided (evidence only). Condition: Malignant tumor of esophagus. Review status: no classification provided. Collection method: in vitro. Allele origin: not applicable. Functional consequence: retained intron. Not counted in ClinVar's aggregate classification.

Dr. Peter K. Rogan Lab, Western University
No classification provided (evidence only). Condition: Malignant tumor of esophagus. Review status: no classification provided. Collection method: in vitro. Allele origin: not applicable. Functional consequence: retained intron. Not counted in ClinVar's aggregate classification.

Dr. Peter K. Rogan Lab, Western University
No classification provided (evidence only). Condition: Malignant tumor of esophagus. Review status: no classification provided. Collection method: in vitro. Allele origin: not applicable. Functional consequence: retained intron. Not counted in ClinVar's aggregate classification.

Dr. Peter K. Rogan Lab, Western University
No classification provided (evidence only). Condition: Malignant tumor of esophagus. Review status: no classification provided. Collection method: in vitro. Allele origin: not applicable. Functional consequence: retained intron. Not counted in ClinVar's aggregate classification.

Joint Genome Diagnostic Labs from Nijmegen and Maastricht, Radboudumc and MUMC+
Classification: Benign. Review status: no assertion criteria provided. Collection method: clinical testing. Allele origin: germline. Affected: yes. Study: VKGL Data-share Consensus. Not counted in ClinVar's aggregate classification.

Laboratory of Diagnostic Genome Analysis, Leiden University Medical Center (LUMC)
Classification: Likely benign. Review status: no assertion criteria provided. Collection method: clinical testing. Allele origin: germline. Affected: yes. Study: VKGL Data-share Consensus. Not counted in ClinVar's aggregate classification.

Literature cited by the submitters: PubMed 32039858 (cited by Women's Health and Genetics/Laboratory Corporation of America, LabCorp); PubMed 26516846 (cited by Athena Diagnostics); PubMed 26522830 (cited by Athena Diagnostics).